The following is an entry in ClinVar:

ClinVar aggregate classification (germline): Uncertain significance. Review status: reviewed by expert panel (3 of 4 stars). 2 submissions from 2 submitters: Uncertain significance (1). 1 of the submissions does not count toward it. Last evaluated 2024-07-22.

Conditions:
Mitochondrial disease. Also called: Mitochondrial disorder; Mitochondrial disorders. Identifiers: Orphanet 68380, MedGen C0751651, MeSH D028361, MONDO:0044970.
Mitochondrial myopathy, isolated. Identifiers: MedGen C4016606.

Submissions (2):

ClinGen Mitochondrial Disease Nuclear and Mitochondrial  Variant Curation Expert Panel, ClinGen
Classification: Uncertain significance for Mitochondrial disease. Last evaluated: 2024-07-22. Review status: reviewed by expert panel. Criteria: clingen mito disease acmg specifications v1-1. Collection method: curation. Allele origin: germline. Inheritance: Mitochondrial inheritance.
Comment: Muscle biopsy showed ragged red fibers and subsarcolemmal accumulations of mitochondria with paracrystalline inclusions. Mitochondrial respiratory chain enzyme analysis showed reduced activities of complexes I and IV. This variant is absent in the MITOMAP GenBank dataset, gnomAD v3.1.2, and the Helix dataset (PM2_supporting). The computational predictor MitoTIP suggests this variant is pathogenic (50.4 percentile) and HmtVAR predicts it to be pathogenic with a score of 0.6 (PP3). There are no cybrids, single fiber studies, or other functional assays reported on this variant. In summary, this variant meets criteria to be classified as uncertain significance for primary mitochondrial disease inherited in a mitochondrial manner. This classification was approved by the NICHD/NINDS U24 ClinGen Mitochondrial Disease Variant Curation Expert Panel on July 22, 2024. Mitochondrial DNA-specific ACMG/AMP criteria applied (PMID: 32906214): PM6_supporting, PM2_supporting, PP3.

OMIM
Classification: Pathogenic for MITOCHONDRIAL MYOPATHY, ISOLATED. Last evaluated: 2005-08-30. Review status: no assertion criteria provided. Collection method: literature only. Allele origin: germline. Not counted in ClinVar's aggregate classification.

Literature cited by the submitters: PubMed 16059939 (cited by OMIM).

NC_012920.1(MT-TD):m.7526A>G

Gene: MT-TD (mitochondrially encoded tRNA aspartic acid; plus strand).
Variant type: single nucleotide variant.
Genome position: chrM-7526-A-G.
Other names: 7526A-G.
Identifiers: ClinVar variation 9619 (VCV000009619.2), dbSNP rs121434454, ClinGen allele CA120582.